The following is an entry in ClinVar:

ClinVar aggregate classification (germline): Uncertain significance. Review status: criteria provided, multiple submitters, no conflicts (2 of 4 stars). 2 submissions from 2 submitters: Uncertain significance (2). Last evaluated 2025-10-08.

Conditions:
Lower motor neuron syndrome with late-adult onset (SMAJ). Also called: Spinal muscular atrophy, Jokela type; Late-Onset Spinal Motor Neuronopathy (SMAJ). Identifiers: Orphanet 276435, MedGen C3554398, MONDO:0014025, OMIM 615048.
Frontotemporal dementia and/or amyotrophic lateral sclerosis 2. Also called: FTDALS2. Identifiers: Orphanet 275872, MedGen C4014648, MONDO:0014395, OMIM 615911.
Autosomal dominant mitochondrial myopathy with exercise intolerance (IMMD). Also called: Myopathy, isolated mitochondrial, autosomal dominant. Identifiers: Orphanet 457050, MedGen C4015513, MONDO:0014532, OMIM 616209.

Allele frequency attached by ClinVar (database versions not stated): gnomAD exomes 0.00003 and 0.00005; TOPMed 0.00023; 1000 Genomes Project 30x 0.00031; ExAC 0.00004; ESP Exome Variant Server 0.00008; gnomAD 0.00025.
gnomAD v4.1: 76 of 1,613,654 alleles (0.0047%); highest among the groups gnomAD compares: African/African-American, 0.096%; no homozygotes.

Submissions (2):

Mayo Clinic Laboratories, Mayo Clinic
Classification: Uncertain significance. Last evaluated: 2025-10-08. Review status: criteria provided, single submitter. Criteria: ACMG Guidelines, 2015. Collection method: clinical testing. Allele origin: germline. Observed: 1 variant allele.
Comment: PVS1_strong

Labcorp Genetics (formerly Invitae), Labcorp
Classification: Uncertain significance for Lower motor neuron syndrome with late-adult onset; Frontotemporal dementia and/or amyotrophic lateral sclerosis 2; Autosomal dominant mitochondrial myopathy with exercise intolerance. Last evaluated: 2025-04-17. Review status: criteria provided, single submitter. Criteria: Invitae Variant Classification Sherloc (09022015). Collection method: clinical testing. Allele origin: germline.
Comment: This sequence change falls in intron 3 of the CHCHD10 gene. It does not directly change the encoded amino acid sequence of the CHCHD10 protein. It affects a nucleotide within the consensus splice site. This variant is present in population databases (rs367684804, gnomAD 0.07%), and has an allele count higher than expected for a pathogenic variant. This variant has not been reported in the literature in individuals affected with CHCHD10-related conditions. ClinVar contains an entry for this variant (Variation ID: 1026524). Variants that disrupt the consensus splice site are a relatively common cause of aberrant splicing (PMID: 17576681, 9536098). Algorithms developed to predict the effect of sequence changes on RNA splicing suggest that this variant may disrupt the consensus splice site. In summary, the available evidence is currently insufficient to determine the role of this variant in disease. Therefore, it has been classified as a Variant of Uncertain Significance.

Literature cited by the submitters: PubMed 17576681 (cited by Labcorp Genetics (formerly Invitae), Labcorp); PubMed 9536098 (cited by Labcorp Genetics (formerly Invitae), Labcorp).

NM_213720.3(CHCHD10):c.409+1G>A

Gene: CHCHD10 (coiled-coil-helix-coiled-coil-helix domain containing 10; minus strand). Cytogenetic location: 22q11.23.
Variant type: single nucleotide variant.
Coding change: c.409+1G>A on transcript NM_213720.3 (MANE Select); the canonical splice donor site of the intron after coding-DNA position 409, G replaced by A.
Molecular consequence: splice donor variant.
Genome position (GRCh38, 1-based): chr22:23,766,127, C>T on the plus strand (G>A on the coding strand, the complement: CHCHD10 is on the minus strand). VCF-style: chr22-23766127-C-T. GRCh37 (hg19) VCF-style: chr22-24108314-C-T.
Other names: c.430+1G>A (NM_001301339.2).
Identifiers: ClinVar variation 1026524 (VCV001026524.8), dbSNP rs367684804, ClinGen allele CA10145242.
Genomic context (GRCh38, chr22:23,766,127, plus strand): 5'-AGGTGCAAGAGGAGGGTTGGCCTCTCCCCCTCCCCGCCTGAGTCGGGGTCCACTCACTCA[C>T]CATGGTAGTACTTGCACTGCTTCAGGGCCTCGCTGAAGCCCTCACACAGGGACAGGTCAC-3'